The following is an entry in ClinVar:

NM_001018113.3(FANCB):c.41G>C (p.Arg14Thr)

Gene: FANCB (FA complementation group B; minus strand). Cytogenetic location: Xp22.2.
Variant type: single nucleotide variant.
Coding change: c.41G>C on transcript NM_001018113.3 (MANE Select); coding-DNA position 41, G replaced by C.
Protein change: p.Arg14Thr; replaces arginine 14 with threonine.
Molecular consequence: missense variant. On other transcripts: non-coding transcript variant (1).
Genome position (GRCh38, 1-based): chrX:14,865,470, C>G on the plus strand (G>C on the coding strand, the complement: FANCB is on the minus strand). VCF-style: chrX-14865470-C-G. GRCh37 (hg19) VCF-style: chrX-14883592-C-G.
Other names: c.41G>C, p.Arg14Thr (NM_001324162.2, NM_001410764.1, NM_152633.4); short protein forms R14T.
Identifiers: ClinVar variation 2713209 (VCV002713209.3), dbSNP rs753239814, ClinGen allele CA412445420.
Genomic context (GRCh38, chrX:14,865,470, plus strand): 5'-TCTGCAAAATTTCCTTTAGACAACTGGAAAACAAGGACTTCCCCATTATAACACAAGAGC[C>G]TTTCTTGTTCGTTAGATGACATTGCTTGTTTGCTAGTCATTCCACAATATCAAGTCTTTG-3'
Protein context (NP_001018123.1, residues 4-24): KQAMSSNEQE[Arg14Thr]LLCYNGEVLV

ClinVar aggregate classification (germline): Uncertain significance (1 of 4 stars; one submission).

Conditions:
Fanconi anemia (FA). Also called: Fanconi's anemia. Identifiers: Orphanet 84, MedGen C0015625, MeSH D005199, MONDO:0019391.

gnomAD v4.1: 1 of 1,205,658 alleles (0.000083%); highest among the groups gnomAD compares: Non-Finnish European, 0.00011%; no homozygotes.

Submission:

Labcorp Genetics (formerly Invitae), Labcorp
Classification: Uncertain significance for Fanconi anemia. Last evaluated: 2023-01-25. Review status: criteria provided, single submitter. Criteria: Invitae Variant Classification Sherloc (09022015). Collection method: clinical testing. Allele origin: germline.
Comment: In summary, the available evidence is currently insufficient to determine the role of this variant in disease. Therefore, it has been classified as a Variant of Uncertain Significance. Algorithms developed to predict the effect of missense changes on protein structure and function (SIFT, PolyPhen-2, Align-GVGD) all suggest that this variant is likely to be tolerated. This variant has not been reported in the literature in individuals affected with FANCB-related conditions. This variant is not present in population databases (gnomAD no frequency). This sequence change replaces arginine, which is basic and polar, with threonine, which is neutral and polar, at codon 14 of the FANCB protein (p.Arg14Thr).